The following is an entry in ClinVar:

ClinVar aggregate classification (germline): Likely benign. Review status: criteria provided, single submitter (1 of 4 stars). 2 submissions from 2 submitters: Likely benign (1). 1 of the submissions does not count toward it. Last evaluated 2022-07-13.

Conditions:
RFX6-related disorder. Also called: RFX6-related condition.

Allele frequency attached by ClinVar (database versions not stated): TOPMed 0.00002; gnomAD 0.00003; ESP Exome Variant Server 0.00008; ExAC 0.00005.

Submissions (2):

Labcorp Genetics (formerly Invitae), Labcorp
Classification: Likely benign. Last evaluated: 2022-07-13. Review status: criteria provided, single submitter. Criteria: Invitae Variant Classification Sherloc (09022015). Collection method: clinical testing. Allele origin: germline.

PreventionGenetics, part of Exact Sciences
Classification: Likely benign for RFX6-related condition. Last evaluated: 2019-02-21. Review status: no assertion criteria provided. Collection method: clinical testing. Allele origin: germline. Not counted in ClinVar's aggregate classification.
Comment: This variant is classified as likely benign based on ACMG/AMP sequence variant interpretation guidelines (Richards et al. 2015 PMID: 25741868, with internal and published modifications).

NM_173560.4(RFX6):c.1584C>T (p.Leu528=)

Gene: RFX6 (regulatory factor X6; plus strand). Cytogenetic location: 6q22.1.
Variant type: single nucleotide variant.
Coding change: c.1584C>T on transcript NM_173560.4 (MANE Select); coding-DNA position 1584, C replaced by T.
Protein change: p.Leu528=; no amino-acid change (leucine 528 retained).
Molecular consequence: synonymous variant.
Genome position (GRCh38, 1-based): chr6:116,924,697, C>T. VCF-style: chr6-116924697-C-T. GRCh37 (hg19) VCF-style: chr6-117245860-C-T.
Other names: c.1584C>T (NM_173560.3).
Identifiers: ClinVar variation 2054390 (VCV002054390.6), dbSNP rs375290920, ClinGen allele CA3973358.
Genomic context (GRCh38, chr6:116,924,697, plus strand): 5'-TGTCCTCTCCTCATTCTCCATCCATAAACAAGGTTCTTTTCATTTGATTCGAATGCTTCT[C>T]GATGAATACATTCTCCTGGCCATGGAGACCCAGTTTAATAATGACAAAGAGCAGGAGTTA-3'
Protein context (NP_775831.2, residues 518-538): FGSFHLIRML[Leu528=]DEYILLAMET